The following is an entry in ClinVar:

NM_130384.3(ATRIP):c.1078C>T (p.Leu360Phe)

Genes: ATRIP (ATR interacting protein; plus strand), ATRIP-TREX1 (ATRIP-TREX1 readthrough; plus strand). Cytogenetic location: 3p21.31.
Variant type: single nucleotide variant.
Coding change: c.1078C>T on transcript NM_130384.3 (MANE Select); coding-DNA position 1078, C replaced by T.
Protein change: p.Leu360Phe; replaces leucine 360 with phenylalanine.
Molecular consequence: missense variant. On other transcripts: non-coding transcript variant (1).
Genome position (GRCh38, 1-based): chr3:48,460,132, C>T. VCF-style: chr3-48460132-C-T. GRCh37 (hg19) VCF-style: chr3-48501531-C-T.
Other names: c.697C>T, p.Leu233Phe (NM_001271022.2); c.799C>T, p.Leu267Phe (NM_001271023.2); c.1078C>T, p.Leu360Phe (NM_032166.4); short protein forms L233F, L267F, L360F.
Identifiers: ClinVar variation 4842174 (VCV004842174.1).

ClinVar aggregate classification (germline): Uncertain significance (1 of 4 stars; one submission).

Submission:

Ambry Genetics
Classification: Uncertain significance. Last evaluated: 2025-12-28. Review status: criteria provided, single submitter. Criteria: Ambry Variant Classification Scheme 2023. Collection method: clinical testing. Allele origin: germline.
Comment: The p.L360F variant (also known as c.1078C>T), located in coding exon 8 of the ATRIP gene, results from a C to T substitution at nucleotide position 1078. The leucine at codon 360 is replaced by phenylalanine, an amino acid with highly similar properties. This amino acid position is conserved. In addition, this alteration is predicted to be tolerated by in silico analysis. Based on the available evidence, the clinical significance of this variant remains unclear.